The following is an entry in ClinVar:

NM_152703.5(SAMD9L):c.2671A>T (p.Ile891Phe)

Gene: SAMD9L (sterile alpha motif domain containing 9 like; minus strand). Cytogenetic location: 7q21.2.
Variant type: single nucleotide variant.
Coding change: c.2671A>T on transcript NM_152703.5 (MANE Select); coding-DNA position 2671, A replaced by T.
Protein change: p.Ile891Phe; replaces isoleucine 891 with phenylalanine.
Molecular consequence: missense variant.
Genome position (GRCh38, 1-based): chr7:93,133,301, T>A on the plus strand (A>T on the coding strand, the complement: SAMD9L is on the minus strand). VCF-style: chr7-93133301-T-A. GRCh37 (hg19) VCF-style: chr7-92762614-T-A.
Other names: c.2671A>T, p.Ile891Phe (NM_001303496.3, NM_001303497.3, NM_001303498.3 and 5 more transcripts); short protein forms I891F.
Identifiers: ClinVar variation 3368487 (VCV003368487.1).

ClinVar aggregate classification (germline): Uncertain significance (1 of 4 stars; one submission).

Submission:

GeneDx
Classification: Uncertain significance. Last evaluated: 2024-02-02. Review status: criteria provided, single submitter. Criteria: GeneDx Variant Classification Process June 2021. Collection method: clinical testing. Allele origin: germline. Affected: yes.
Comment: Not observed at significant frequency in large population cohorts (gnomAD); In silico analysis supports that this missense variant has a deleterious effect on protein structure/function; Has not been previously published as pathogenic or benign to our knowledge